The following is an entry in ClinVar:

NM_000179.3(MSH6):c.3733_3739dup (p.Thr1247fs)

Gene: MSH6 (mutS homolog 6; plus strand). Cytogenetic location: 2p16.3.
Variant type: Duplication.
Coding change: c.3733_3739dup on transcript NM_000179.3 (MANE Select); coding-DNA positions 3733 to 3739, 7 bases duplicated (TTTTCAA; older notation c.3733_3739dupTTTTCAA).
Protein change: p.Thr1247fs; shifts the reading frame from threonine 1247.
Molecular consequence: frameshift variant.
Genome position (GRCh38, 1-based): chr2:47,806,290-47,806,296, TTTTCAA duplicated; duplicating any 7 consecutive bases within chr2:47,806,289-47,806,296 gives the same sequence; the c. name uses the placement nearest the transcript's 3' end. VCF-style (leftmost placement, unchanged base first): chr2-47806288-T-TATTTTCA. GRCh37 (hg19) VCF-style: chr2-48033427-T-TATTTTCA.
Other names: c.3343_3349dup, p.Thr1117fs (NM_001281492.2); c.2827_2833dup, p.Thr945fs (NM_001281493.2, NM_001281494.2); c.3733_3739dupTTTTCAA (NM_000179.2); short protein forms T945fs, T1117fs, T1247fs.
Identifiers: ClinVar variation 928745 (VCV000928745.7), dbSNP rs1670054668, ClinGen allele CA1139656976.
Genomic context (GRCh38, chr2:47,806,288, plus strand): 5'-GGACGGCAATAGCAAATGCAGTTGTTAAAGAACTTGCTGAGACTATAAAATGTCGTACAT[T>TATTTTCA]ATTTTCAACTCACTACCATTCATTAGTAGAAGATTATTCTCAAAATGTTGCTGTGCGCCT-3'

ClinVar aggregate classification (germline): Pathogenic/Likely pathogenic. Review status: criteria provided, multiple submitters, no conflicts (2 of 4 stars). 5 submissions from 5 submitters: Pathogenic (4); Likely pathogenic (1). Last evaluated 2024-08-28.

Conditions:
Lynch syndrome 5 (LYNCH5). Also called: Colorectal cancer, hereditary nonpolyposis, type 5; Hereditary non-polyposis colorectal cancer, type 5. Identifiers: Orphanet 144, MedGen C1833477, MONDO:0013710, OMIM 614350. Disease mechanism: loss of function.
Hereditary nonpolyposis colon cancer (HNPCC). Also called: Hereditary nonpolyposis colorectal cancer; Familial nonpolyposis colon cancer; Hereditary Nonpolyposis Colorectal Cancer Syndrome. Identifiers: Orphanet 443909, MedGen C1333990, MONDO:0018630. Disease mechanism: loss of function.
Hereditary nonpolyposis colorectal neoplasms. Identifiers: MedGen C0009405, MeSH D003123.
Hereditary cancer-predisposing syndrome. Also called: Neoplastic Syndromes, Hereditary; Hereditary Cancer Syndrome; Tumor predisposition; Hereditary neoplastic syndrome. Identifiers: Orphanet 140162, MedGen C0027672, MeSH D009386, MONDO:0015356.

Submissions (5):

Labcorp Genetics (formerly Invitae), Labcorp
Classification: Pathogenic for Hereditary nonpolyposis colorectal neoplasms. Last evaluated: 2024-08-28. Review status: criteria provided, single submitter. Criteria: Invitae Variant Classification Sherloc (09022015). Collection method: clinical testing. Allele origin: germline.
Comment: This sequence change creates a premature translational stop signal (p.Thr1247Ilefs*30) in the MSH6 gene. It is expected to result in an absent or disrupted protein product. Loss-of-function variants in MSH6 are known to be pathogenic (PMID: 18269114, 24362816). This variant is not present in population databases (gnomAD no frequency). This variant has not been reported in the literature in individuals affected with MSH6-related conditions. ClinVar contains an entry for this variant (Variation ID: 928745). For these reasons, this variant has been classified as Pathogenic.

Ambry Genetics
Classification: Pathogenic for Hereditary cancer-predisposing syndrome. Last evaluated: 2024-04-18. Review status: criteria provided, single submitter. Criteria: Ambry Variant Classification Scheme 2023. Collection method: clinical testing. Allele origin: germline.
Comment: The c.3733_3739dupTTTTCAA pathogenic mutation, located in coding exon 8 of the MSH6 gene, results from a duplication of TTTTCAA at nucleotide positions 3733 to 3739, causing a translational frameshift with a predicted alternate stop codon (p.T1247Ifs*30). This variant is considered to be rare based on population cohorts in the Genome Aggregation Database (gnomAD). This alteration is expected to result in loss of function by premature protein truncation or nonsense-mediated mRNA decay. As such, this alteration is interpreted as a disease-causing mutation.

Myriad Genetics, Inc.
Classification: Pathogenic for Lynch syndrome 5. Last evaluated: 2023-08-25. Review status: criteria provided, single submitter. Criteria: Myriad Autosomal Dominant, Autosomal Recessive and X-Linked Classification Criteria (2023). Collection method: clinical testing. Allele origin: unknown.
Comment: This variant is considered pathogenic. This variant creates a frameshift predicted to result in premature protein truncation.

Quest Diagnostics Nichols Institute San Juan Capistrano
Classification: Pathogenic. Last evaluated: 2022-07-13. Review status: criteria provided, single submitter. Criteria: Quest Diagnostics criteria. Collection method: clinical testing. Allele origin: unknown.
Comment: This frameshift variant alters the translational reading frame of the MSH6 mRNA and causes the premature termination of MSH6 protein synthesis. The variant has not been reported in individuals with MSH6-related diseases in the published literature. It also has not been reported in large, multi-ethnic general populations. Based on the available information, this variant is classified as pathogenic.

Women's Health and Genetics/Laboratory Corporation of America, LabCorp
Classification: Likely pathogenic for Lynch syndrome. Last evaluated: 2019-04-01. Review status: criteria provided, single submitter. Criteria: LabCorp Variant Classification Summary - May 2015. Collection method: clinical testing. Allele origin: germline.
Comment: Variant summary: MSH6 c.3733_3739dupTTTTCAA (p.Thr1247IlefsX30) results in a premature termination codon, predicted to cause a truncation of the encoded protein or absence of the protein due to nonsense mediated decay, which are commonly known mechanisms for disease. Truncations downstream of this position have been classified as pathogenic by our laboratory (eg. c.3799_3800delAT (p.Met1267fsX7), c.3814_3827dupGAAAATGAATGTGA(p.Asp1277fsX55)). The variant was absent in 245976 control chromosomes (gnomAD). To our knowledge, no occurrence of c.3733_3739dupTTTTCAA in individuals affected with Lynch Syndrome and no experimental evidence demonstrating its impact on protein function have been reported. No clinical diagnostic laboratories have submitted clinical-significance assessments for this variant to ClinVar after 2014. Based on the evidence outlined above, the variant was classified as likely pathogenic.

Literature cited by the submitters: PubMed 18269114 (cited by Labcorp Genetics (formerly Invitae), Labcorp); PubMed 24362816 (cited by Labcorp Genetics (formerly Invitae), Labcorp).